The following is an entry in ClinVar:

ClinVar aggregate classification (germline): Uncertain significance (1 of 4 stars; one submission).

Allele frequency attached by ClinVar (database versions not stated): ExAC 0.00001; gnomAD exomes 0.00007; TOPMed 0.00012; gnomAD 0.00024.
gnomAD v4.1: 60 of 1,610,856 alleles (0.0037%); highest among the groups gnomAD compares: Admixed American, 0.092%; no homozygotes.

Submission:

Labcorp Genetics (formerly Invitae), Labcorp
Classification: Uncertain significance. Last evaluated: 2022-08-23. Review status: criteria provided, single submitter. Criteria: Invitae Variant Classification Sherloc (09022015). Collection method: clinical testing. Allele origin: germline.
Comment: This sequence change replaces aspartic acid, which is acidic and polar, with asparagine, which is neutral and polar, at codon 4817 of the PCLO protein (p.Asp4817Asn). This variant is present in population databases (rs778523313, gnomAD 0.05%). This variant has not been reported in the literature in individuals affected with PCLO-related conditions. ClinVar contains an entry for this variant (Variation ID: 1392469). Algorithms developed to predict the effect of missense changes on protein structure and function are either unavailable or do not agree on the potential impact of this missense change (SIFT: "Tolerated"; PolyPhen-2: "Not Available"; Align-GVGD: "Class C0"). In summary, the available evidence is currently insufficient to determine the role of this variant in disease. Therefore, it has been classified as a Variant of Uncertain Significance.

NM_033026.6(PCLO):c.14449G>A (p.Asp4817Asn)

Gene: PCLO (piccolo presynaptic cytomatrix protein; minus strand). Cytogenetic location: 7q21.11.
Variant type: single nucleotide variant.
Coding change: c.14449G>A on transcript NM_033026.6 (MANE Select); coding-DNA position 14449, G replaced by A.
Protein change: p.Asp4817Asn; replaces aspartic acid 4817 with asparagine.
Molecular consequence: missense variant.
Genome position (GRCh38, 1-based): chr7:82,824,383, C>T on the plus strand (G>A on the coding strand, the complement: PCLO is on the minus strand). VCF-style: chr7-82824383-C-T. GRCh37 (hg19) VCF-style: chr7-82453699-C-T.
Other names: c.14449G>A, p.Asp4817Asn (NM_014510.3); short protein forms D4817N.
Identifiers: ClinVar variation 1392469 (VCV001392469.3), dbSNP rs778523313, ClinGen allele CA4318795.